The following is an entry in ClinVar:

ClinVar aggregate classification (germline): Conflicting classifications of pathogenicity. Review status: criteria provided, conflicting classifications (1 of 4 stars). 6 submissions from 6 submitters: Uncertain significance (1); Benign (1); Likely benign (4). Last evaluated 2026-01-26.

Conditions:
Dilated cardiomyopathy 1G (CMD1G). Identifiers: Orphanet 154, MedGen C1858763, MONDO:0011400, OMIM 604145.
Autosomal recessive limb-girdle muscular dystrophy type 2J (LGMDR10). Also called: MUSCULAR DYSTROPHY, LIMB-GIRDLE, AUTOSOMAL RECESSIVE 10; Limb-girdle muscular dystrophy, type 2J. Identifiers: Orphanet 140922, MedGen C1837342, MONDO:0012127, OMIM 608807.
TTN-related disorder. Also called: TTN-related disorders; TTN-related condition; TTN-related disease.
Cardiovascular phenotype. Identifiers: MedGen CN230736.

Allele frequency attached by ClinVar (database versions not stated): gnomAD exomes 0.00001 and 0.00004; 1000 Genomes Project 0.00040; TOPMed 0.00013; ESP Exome Variant Server 0.00016; 1000 Genomes Project 30x 0.00031; gnomAD 0.00007; ExAC 0.00005.
gnomAD v4.1: 31 of 1,613,424 alleles (0.0019%); highest among the groups gnomAD compares: African/African-American, 0.037%; no homozygotes.

Submissions (6):

Labcorp Genetics (formerly Invitae), Labcorp
Classification: Likely benign for Dilated cardiomyopathy 1G; Autosomal recessive limb-girdle muscular dystrophy type 2J. Last evaluated: 2026-01-26. Review status: criteria provided, single submitter. Criteria: Invitae Variant Classification Sherloc (09022015). Collection method: clinical testing. Allele origin: germline.

PreventionGenetics, part of Exact Sciences
Classification: Likely benign for TTN-related condition. Last evaluated: 2025-07-09. Review status: criteria provided, single submitter. Criteria: ACMG Guidelines, 2015. Collection method: clinical testing. Allele origin: germline.
Comment: This variant is classified as likely benign based on ACMG/AMP sequence variant interpretation guidelines (Richards et al. 2015 PMID: 25741868, with internal and published modifications).

Athena Diagnostics
Classification: Likely benign. Last evaluated: 2019-11-12. Review status: criteria provided, single submitter. Criteria: Athena Diagnostics Criteria. Collection method: clinical testing. Allele origin: unknown.

Eurofins Ntd Llc (ga)
Classification: Uncertain significance. Last evaluated: 2017-06-20. Review status: criteria provided, single submitter. Criteria: EGL Classification Definitions 2015. Collection method: clinical testing. Allele origin: germline. Observed: 1 variant allele, 1 heterozygote.

Ambry Genetics
Classification: Likely benign for Cardiovascular phenotype. Last evaluated: 2016-11-29. Review status: criteria provided, single submitter. Criteria: Ambry Variant Classification Scheme 2023. Collection method: clinical testing. Allele origin: germline.

GeneDx
Classification: Benign. Last evaluated: 2014-11-21. Review status: criteria provided, single submitter. Criteria: GeneDx Variant Classification (06012015). Collection method: clinical testing. Allele origin: germline. Affected: yes.
Comment: This variant is considered likely benign or benign based on one or more of the following criteria: it is a conservative change, it occurs at a poorly conserved position in the protein, it is predicted to be benign by multiple in silico algorithms, and/or has population frequency not consistent with disease.

NM_001267550.2(TTN):c.77043T>C (p.Tyr25681=)

Genes: TTN (titin; minus strand), TTN-AS1 (TTN antisense RNA 1; plus strand). Cytogenetic location: 2q31.2.
Variant type: single nucleotide variant.
Coding change: c.77043T>C on transcript NM_001267550.2 (MANE Select); coding-DNA position 77043, T replaced by C.
Protein change: p.Tyr25681=; no amino-acid change (tyrosine 25681 retained).
Molecular consequence: synonymous variant.
Genome position (GRCh38, 1-based): chr2:178,569,089, A>G on the plus strand (T>C on the coding strand, the complement: TTN is on the minus strand). VCF-style: chr2-178569089-A-G. GRCh37 (hg19) VCF-style: chr2-179433816-A-G.
Other names: p.Y24040Y:TAT>TAC; c.49848T>C, p.Tyr16616= (NM_003319.4); c.69339T>C, p.Tyr23113= (NM_133378.4); c.50223T>C, p.Tyr16741= (NM_133432.3); c.50424T>C, p.Tyr16808= (NM_133437.4); c.72120T>C, p.Tyr24040= (NM_001256850.1).
Identifiers: ClinVar variation 202280 (VCV000202280.24), dbSNP rs370810609, ClinGen allele CA308968.